The following is an entry in ClinVar:

NM_001375808.2(LPIN2):c.1347C>T (p.Ser449=)

Gene: LPIN2 (lipin 2; minus strand). Cytogenetic location: 18p11.31.
Variant type: single nucleotide variant.
Coding change: c.1347C>T on transcript NM_001375808.2 (MANE Select); coding-DNA position 1347, C replaced by T.
Protein change: p.Ser449=; no amino-acid change (serine 449 retained).
Molecular consequence: synonymous variant.
Genome position (GRCh38, 1-based): chr18:2,931,365, G>A on the plus strand (C>T on the coding strand, the complement: LPIN2 is on the minus strand). VCF-style: chr18-2931365-G-A. GRCh37 (hg19) VCF-style: chr18-2931363-G-A.
Other names: c.1347C>T, p.Ser449= (NM_001375809.1, NM_014646.2).
Identifiers: ClinVar variation 386450 (VCV000386450.10), dbSNP rs773074044, ClinGen allele CA8873126.

ClinVar aggregate classification (germline): Conflicting classifications of pathogenicity. Review status: criteria provided, conflicting classifications (1 of 4 stars). 4 submissions from 4 submitters: Uncertain significance (2); Likely benign (2). Last evaluated 2025-12-29.

Conditions:
Autoinflammatory syndrome. Identifiers: Orphanet 93665, MedGen C3890737, MONDO:0019751.
Majeed syndrome (MJDS). Also called: CHRONIC RECURRENT MULTIFOCAL OSTEOMYELITIS 1, WITH CONGENITAL DYSERYTHROPOIETIC ANEMIA, WITH OR WITHOUT NEUTROPHILIC DERMATOSIS; LPIN2-Related Majeed Syndrome. Identifiers: Orphanet 77297, MedGen C1864997, MONDO:0012316, OMIM 609628.

Allele frequency attached by ClinVar (database versions not stated): gnomAD 0.00001 and 0.00002; TOPMed 0.00001; ExAC 0.00002; gnomAD exomes 0.00002.
gnomAD v4.1: 28 of 1,613,190 alleles (0.0017%); highest among the groups gnomAD compares: Admixed American, 0.0033%; no homozygotes.

Submissions (4):

Labcorp Genetics (formerly Invitae), Labcorp
Classification: Likely benign for Majeed syndrome. Last evaluated: 2025-12-29. Review status: criteria provided, single submitter. Criteria: Invitae Variant Classification Sherloc (09022015). Collection method: clinical testing. Allele origin: germline.

Department of Human Genetics, Hannover Medical School
Classification: Uncertain significance for Majeed syndrome. Last evaluated: 2023-12-12. Review status: criteria provided, single submitter. Criteria: ACMG Guidelines, 2015. Collection method: clinical testing. Allele origin: germline. Affected: yes.

Genome Diagnostics Laboratory, The Hospital for Sick Children
Classification: Uncertain significance for Autoinflammatory syndrome. Last evaluated: 2018-11-01. Review status: criteria provided, single submitter. Criteria: ACMG Guidelines, 2015. Collection method: clinical testing. Allele origin: germline. Affected: yes.

GeneDx
Classification: Likely benign. Last evaluated: 2016-05-27. Review status: criteria provided, single submitter. Criteria: GeneDx Variant Classification (06012015). Collection method: clinical testing. Allele origin: germline. Affected: yes.
Comment: This variant is considered likely benign or benign based on one or more of the following criteria: it is a conservative change, it occurs at a poorly conserved position in the protein, it is predicted to be benign by multiple in silico algorithms, and/or has population frequency not consistent with disease.